The following is an entry in ClinVar:

NM_000257.4(MYH7):c.2599G>C (p.Glu867Gln)

Genes: MYH7 (myosin heavy chain 7; minus strand), LOC126861898 (BRD4-independent group 4 enhancer GRCh37_chr14:23893609-23894808; plus strand). Cytogenetic location: 14q11.2.
Variant type: single nucleotide variant.
Coding change: c.2599G>C on transcript NM_000257.4 (MANE Select); coding-DNA position 2599, G replaced by C.
Protein change: p.Glu867Gln; replaces glutamic acid 867 with glutamine.
Molecular consequence: missense variant.
Genome position (GRCh38, 1-based): chr14:23,424,849, C>G on the plus strand (G>C on the coding strand, the complement: MYH7 is on the minus strand). VCF-style: chr14-23424849-C-G. GRCh37 (hg19) VCF-style: chr14-23894058-C-G.
Other names: c.2599G>C, p.Glu867Gln (NM_001407004.1); short protein forms E867Q.
Identifiers: ClinVar variation 5037887 (VCV005037887.1).

ClinVar aggregate classification (germline): Uncertain significance (1 of 4 stars; one submission).

Conditions:
Cardiovascular phenotype. Identifiers: MedGen CN230736.

Submission:

Molecular Diagnostic Laboratory for Inherited Cardiovascular Disease, Montreal Heart Institute
Classification: Uncertain significance for Cardiovascular phenotype. Last evaluated: 2026-09-21. Review status: criteria provided, single submitter. Criteria: ACMG Guidelines, 2015. Collection method: clinical testing. Allele origin: germline. Affected: yes.
Comment: PM1, PM2